The following is an entry in ClinVar:

ClinVar aggregate classification (germline): Uncertain significance (1 of 4 stars; one submission).

Conditions:
46 XY differences of sex development. Also called: 46, XY disorder of sex development (DSD); 46,XY disorder of sex development. Identifiers: Orphanet 98085, MedGen C2751824, MONDO:0020040.
Oligosynaptic infertility (SPGF1). Also called: SPERMATOGENIC FAILURE 1; OLIGOCHIASMATIC INFERTILITY. Identifiers: MedGen C0403810, MONDO:0009776, OMIM 258150.

Submission:

Labcorp Genetics (formerly Invitae), Labcorp
Classification: Uncertain significance for 46 XY differences of sex development; Oligosynaptic infertility. Last evaluated: 2024-11-04. Review status: criteria provided, single submitter. Criteria: Invitae Variant Classification Sherloc (09022015). Collection method: clinical testing. Allele origin: germline.
Comment: This sequence change replaces cysteine, which is neutral and slightly polar, with tyrosine, which is neutral and polar, at codon 68 of the NR5A1 protein (p.Cys68Tyr). This variant is not present in population databases (gnomAD no frequency). This variant has not been reported in the literature in individuals affected with NR5A1-related conditions. Invitae Evidence Modeling of protein sequence and biophysical properties (such as structural, functional, and spatial information, amino acid conservation, physicochemical variation, residue mobility, and thermodynamic stability) indicates that this missense variant is expected to disrupt NR5A1 protein function with a positive predictive value of 95%. In summary, the available evidence is currently insufficient to determine the role of this variant in disease. Therefore, it has been classified as a Variant of Uncertain Significance.

NM_004959.5(NR5A1):c.203G>A (p.Cys68Tyr)

Gene: NR5A1 (nuclear receptor subfamily 5 group A member 1; minus strand). Cytogenetic location: 9q33.3.
Variant type: single nucleotide variant.
Coding change: c.203G>A on transcript NM_004959.5 (MANE Select); coding-DNA position 203, G replaced by A.
Protein change: p.Cys68Tyr; replaces cysteine 68 with tyrosine.
Molecular consequence: missense variant.
Genome position (GRCh38, 1-based): chr9:124,503,120, C>T on the plus strand (G>A on the coding strand, the complement: NR5A1 is on the minus strand). VCF-style: chr9-124503120-C-T. GRCh37 (hg19) VCF-style: chr9-127265399-C-T.
Other names: short protein forms C68Y.
Identifiers: ClinVar variation 3759107 (VCV003759107.2).
Genomic context (GRCh38, chr9:124,503,120, plus strand): 5'-AGGCCCGCGCGGCGCGCACCTTCCAGGCGCATCCCCACCGTCAGGCATTTCTGGAAGCGG[C>T]AGAAGGGACAGCGCTTGCGCTGCGTCTTGTCGATCTTGCAGCTCTGGCTCTCGGTGCACG-3'
Protein context (NP_004950.2, residues 58-78): DKTQRKRCPF[Cys68Tyr]RFQKCLTVGM